The following is an entry in ClinVar:

NM_005908.4(MANBA):c.177+2T>C

Genes: MANBA (mannosidase beta; minus strand), LOC129992886 (ATAC-STARR-seq lymphoblastoid active region 21757; plus strand). Cytogenetic location: 4q24.
Variant type: single nucleotide variant.
Coding change: c.177+2T>C on transcript NM_005908.4 (MANE Select); the canonical splice donor site of the intron after coding-DNA position 177, T replaced by C.
Molecular consequence: splice donor variant.
Genome position (GRCh38, 1-based): chr4:102,760,716, A>G on the plus strand (T>C on the coding strand, the complement: MANBA is on the minus strand). VCF-style: chr4-102760716-A-G. GRCh37 (hg19) VCF-style: chr4-103681873-A-G.
Identifiers: ClinVar variation 1028959 (VCV001028959.7), dbSNP rs779221957, ClinGen allele CA103133993.

ClinVar aggregate classification (germline): Pathogenic/Likely pathogenic. Review status: criteria provided, multiple submitters, no conflicts (2 of 4 stars). 3 submissions from 3 submitters: Pathogenic (1); Likely pathogenic (2). Last evaluated 2024-03-25.

Conditions:
Beta-D-mannosidosis (MANSB). Also called: Beta-Mannosidosis; MANNOSIDOSIS, BETA A, LYSOSOMAL; BETA-MANNOSIDASE DEFICIENCY; LYSOSOMAL BETA-MANNOSIDASE DEFICIENCY. Identifiers: Orphanet 118, MedGen C4048196, MONDO:0009562, OMIM 248510.

Submissions (3):

Genomic Medicine Center of Excellence, King Faisal Specialist Hospital and Research Centre
Classification: Pathogenic for Beta-D-mannosidosis. Last evaluated: 2024-03-25. Review status: criteria provided, single submitter. Criteria: ACMG Guidelines, 2015. Collection method: research. Allele origin: germline.

Baylor Genetics
Classification: Likely pathogenic for Beta-D-mannosidosis. Last evaluated: 2020-05-05. Review status: criteria provided, single submitter. Criteria: ACMG Guidelines, 2015. Collection method: clinical testing. Allele origin: unknown. Affected: yes.
Comment: This variant was determined to be likely pathogenic according to ACMG Guidelines, 2015 [PMID:25741868].

Revvity Omics, Revvity
Classification: Likely pathogenic for Beta-D-mannosidosis. Last evaluated: 2019-12-28. Review status: criteria provided, single submitter. Criteria: ACMG Guidelines, 2015. Collection method: clinical testing. Allele origin: germline.